The following is an entry in ClinVar:

NM_000186.4(CFH):c.295A>G (p.Thr99Ala)

Gene: CFH (complement factor H; plus strand). Cytogenetic location: 1q31.3.
Variant type: single nucleotide variant.
Coding change: c.295A>G on transcript NM_000186.4 (MANE Select); coding-DNA position 295, A replaced by G.
Protein change: p.Thr99Ala; replaces threonine 99 with alanine.
Molecular consequence: missense variant.
Genome position (GRCh38, 1-based): chr1:196,673,907, A>G. VCF-style: chr1-196673907-A-G. GRCh37 (hg19) VCF-style: chr1-196643037-A-G.
Other names: c.295A>G, p.Thr99Ala (NM_001014975.3); short protein forms T99A.
Identifiers: ClinVar variation 4291611 (VCV004291611.1).

ClinVar aggregate classification (germline): Uncertain significance (1 of 4 stars; one submission).

Conditions:
Atypical hemolytic-uremic syndrome. Identifiers: Orphanet 2134, MedGen C2931788, MONDO:0016244.
Basal laminar drusen. Also called: DRUSEN OF BRUCH MEMBRANE; DRUSEN, CUTICULAR; DRUSEN, EARLY ADULT-ONSET, GROUPED. Identifiers: Orphanet 75376, MedGen C0730295, MONDO:0007472, OMIM 126700.
Factor H deficiency (CFHD). Also called: COMPLEMENT FACTOR H DEFICIENCY; CFH DEFICIENCY. Identifiers: Orphanet 200421, MedGen C0398777, MONDO:0012350, OMIM 609814.
Age related macular degeneration 4. Identifiers: MedGen C1853147, MONDO:0012540, OMIM 610698.

Submission:

Genomenon, Inc
Classification: Uncertain significance for Basal laminar drusen; Age related macular degeneration 4; Atypical hemolytic-uremic syndrome; Factor H deficiency. Last evaluated: 2025-10-02. Review status: criteria provided, single submitter. Criteria: Genomenon Sequence Variant Interpretation Standards - Updated. Collection method: curation. Allele origin: germline. Affected: no.
Comment: CFH p.Thr99Ala (c.295A>G) is a missense variant that changes the amino acid at residue 99 from Threonine to Alanine. This variant has been reported in the published literature (PMID:36211394). It is absent or not present at a significant frequency in gnomAD. In silico models agree that this variant is not damaging. In conclusion, we classify CFH p.Thr99Ala (c.295A>G) as a variant of uncertain significance.

Literature cited by the submitters: PubMed 36211394.